The following is an entry in ClinVar:

NM_015189.3(EXOC6B):c.2309+1169G>T

Gene: EXOC6B (exocyst complex component 6B; minus strand). Cytogenetic location: 2p13.2.
Variant type: single nucleotide variant.
Coding change: c.2309+1169G>T on transcript NM_015189.3 (MANE Select); 1169 bases into the intron after coding-DNA position 2309, G replaced by T.
Molecular consequence: intron variant. On other transcripts: splice acceptor variant (4).
Genome position (GRCh38, 1-based): chr2:72,182,906, C>A on the plus strand (G>T on the coding strand, the complement: EXOC6B is on the minus strand). VCF-style: chr2-72182906-C-A. GRCh37 (hg19) VCF-style: chr2-72410035-C-A.
Other names: c.1971-1G>T (NM_001321734.2); c.2174+1169G>T (NM_001321733.2); c.2175-1G>T (NM_001321730.2); c.2310-1G>T (NM_001321729.2, NM_001321731.2).
Identifiers: ClinVar variation 2125741 (VCV002125741.4), dbSNP rs2466370942, ClinGen allele CA2580067827.

ClinVar aggregate classification (germline): Likely pathogenic (1 of 4 stars; one submission).

Submission:

Labcorp Genetics (formerly Invitae), Labcorp
Classification: Likely pathogenic. Last evaluated: 2025-09-08. Review status: criteria provided, single submitter. Criteria: Invitae Variant Classification Sherloc (09022015). Collection method: clinical testing. Allele origin: germline.
Comment: This sequence change affects an acceptor splice site in intron 21 of the EXOC6B gene. It is expected to disrupt RNA splicing. Variants that disrupt the donor or acceptor splice site typically lead to a loss of protein function (PMID: 16199547), and loss-of-function variants in EXOC6B are known to be pathogenic (PMID: 26669664, 36150098). This variant is not present in population databases (gnomAD no frequency). This variant has not been reported in the literature in individuals affected with EXOC6B-related conditions. ClinVar contains an entry for this variant (Variation ID: 2125741). Algorithms developed to predict the effect of sequence changes on RNA splicing suggest that this variant may disrupt the consensus splice site. In summary, the currently available evidence indicates that the variant is pathogenic, but additional data are needed to prove that conclusively. Therefore, this variant has been classified as Likely Pathogenic.

Literature cited by the submitters: PubMed 16199547; PubMed 26669664; PubMed 36150098.